The following is an entry in ClinVar:

NM_001277115.2(DNAH11):c.10782G>A (p.Pro3594=)

Gene: DNAH11 (dynein axonemal heavy chain 11; plus strand). Cytogenetic location: 7p15.3.
Variant type: single nucleotide variant.
Coding change: c.10782G>A on transcript NM_001277115.2 (MANE Select); coding-DNA position 10782, G replaced by A.
Protein change: p.Pro3594=; no amino-acid change (proline 3594 retained).
Molecular consequence: synonymous variant.
Genome position (GRCh38, 1-based): chr7:21,842,634, G>A. VCF-style: chr7-21842634-G-A. GRCh37 (hg19) VCF-style: chr7-21882252-G-A.
Other names: p.Pro3594=.
Identifiers: ClinVar variation 257848 (VCV000257848.51), dbSNP rs72657400, ClinGen allele CA4182487.

ClinVar aggregate classification (germline): Benign/Likely benign. Review status: criteria provided, multiple submitters, no conflicts (2 of 4 stars). 8 submissions from 8 submitters: Benign (3); Likely benign (5). Last evaluated 2026-01-29.

Conditions:
Primary ciliary dyskinesia. Also called: Ciliary dyskinesia. Identifiers: Orphanet 244, MedGen C0008780, MONDO:0016575, HP:0012265.
Primary ciliary dyskinesia 7. Also called: CILIARY DYSKINESIA, PRIMARY, 7, WITH OR WITHOUT SITUS INVERSUS. Identifiers: Orphanet 244, MedGen C2678473, MONDO:0012748, OMIM 611884.

Allele frequency attached by ClinVar (database versions not stated): gnomAD exomes 0.00089 and 0.00099; ExAC 0.00095; gnomAD 0.00200 and 0.00213; ESP Exome Variant Server 0.00217; TOPMed 0.00238; 1000 Genomes Project 30x 0.00297; 1000 Genomes Project 0.00319.
gnomAD v4.1: 1,611 of 1,613,890 alleles (0.1%); highest among the groups gnomAD compares: African/African-American, 0.54%; no homozygotes.

Submissions (8):

Labcorp Genetics (formerly Invitae), Labcorp
Classification: Benign for Primary ciliary dyskinesia. Last evaluated: 2026-01-29. Review status: criteria provided, single submitter. Criteria: Invitae Variant Classification Sherloc (09022015). Collection method: clinical testing. Allele origin: germline.

Mayo Clinic Laboratories, Mayo Clinic
Classification: Likely benign. Last evaluated: 2024-12-20. Review status: criteria provided, single submitter. Criteria: ACMG Guidelines, 2015. Collection method: clinical testing. Allele origin: germline. Observed: 1 variant allele.
Comment: BS1, BP4, BP7

Blueprint Genetics
Classification: Likely benign. Last evaluated: 2024-11-13. Review status: criteria provided, single submitter. Criteria: ACMG Guidelines, 2015. Collection method: clinical testing. Allele origin: germline.

CeGaT Center for Human Genetics Tuebingen
Classification: Likely benign. Last evaluated: 2024-11-01. Review status: criteria provided, single submitter. Criteria: CeGaT Center For Human Genetics Tuebingen Variant Classification Criteria Version 2. Collection method: clinical testing. Allele origin: germline. Affected: yes. Observed: 2 variant alleles.
Comment: DNAH11: BP4, BP7

ARUP Laboratories, Molecular Genetics and Genomics, ARUP Laboratories
Classification: Likely benign for Primary ciliary dyskinesia 7. Last evaluated: 2024-04-03. Review status: criteria provided, single submitter. Criteria: ARUP Molecular Germline Variant Investigation Process 2024. Collection method: clinical testing. Allele origin: germline.

Ambry Genetics
Classification: Benign for Primary ciliary dyskinesia. Last evaluated: 2017-03-22. Review status: criteria provided, single submitter. Criteria: Ambry Variant Classification Scheme 2023. Collection method: clinical testing. Allele origin: germline.

Laboratory for Molecular Medicine, Mass General Brigham Personalized Medicine
Classification: Benign. Last evaluated: 2013-02-21. Review status: criteria provided, single submitter. Criteria: LMM Criteria. Collection method: clinical testing. Allele origin: germline. Observed: 1 variant allele.
Comment: Pro3594Pro in exon 66 of DNAH11: This variant is not expected to have clinical s ignificance because it does not alter an amino acid residue and is not located w ithin the splice consensus sequence. It has been identified in 0.5% (20/3786) of African American chromosomes from a broad population by the NHLBI Exome Sequenc ing Project (dbSNP rs72657400).

PreventionGenetics, part of Exact Sciences
Classification: Likely benign. Review status: criteria provided, single submitter. Criteria: ACMG Guidelines, 2015. Collection method: clinical testing. Allele origin: germline.